The following is an entry in ClinVar:

ClinVar aggregate classification (germline): Likely benign. Review status: criteria provided, multiple submitters, no conflicts (2 of 4 stars). 2 submissions from 2 submitters: Likely benign (2). Last evaluated 2026-07-07.

Conditions:
Rhabdoid tumor predisposition syndrome 2 (RTPS2). Identifiers: Orphanet 231108, Orphanet 69077, MedGen C2750074, MONDO:0013224, OMIM 613325.
Hereditary cancer-predisposing syndrome. Also called: Neoplastic Syndromes, Hereditary; Tumor predisposition; Hereditary neoplastic syndrome; Hereditary Cancer Syndrome. Identifiers: Orphanet 140162, MedGen C0027672, MeSH D009386, MONDO:0015356.

Submissions (2):

Myriad Genetics, Inc.
Classification: Likely benign for Rhabdoid tumor predisposition syndrome 2. Last evaluated: 2026-07-07. Review status: criteria provided, single submitter. Criteria: Myriad Autosomal Dominant, Autosomal Recessive and X-Linked Classification Criteria (2023). Collection method: clinical testing. Allele origin: unknown.
Comment: This variant is considered likely benign. This variant is intronic and is not expected to impact mRNA splicing.

Ambry Genetics
Classification: Likely benign for Hereditary cancer-predisposing syndrome. Last evaluated: 2025-07-17. Review status: criteria provided, single submitter. Criteria: Ambry Variant Classification Scheme 2023. Collection method: clinical testing. Allele origin: germline.

NM_003072.5(SMARCA4):c.2506-4G>T

Gene: SMARCA4 (SWI/SNF related BAF chromatin remodeling complex subunit ATPase 4; plus strand). Cytogenetic location: 19p13.2.
Variant type: single nucleotide variant.
Coding change: c.2506-4G>T on transcript NM_003072.5 (MANE Select); 4 bases into the intron before coding-DNA position 2506, G replaced by T.
Molecular consequence: intron variant.
Genome position (GRCh38, 1-based): chr19:11,019,587, G>T. VCF-style: chr19-11019587-G-T. GRCh37 (hg19) VCF-style: chr19-11130263-G-T.
Other names: c.2506-4G>T (NM_001128844.3, NM_001128849.3, NM_001128847.4 and 6 more transcripts).
Identifiers: ClinVar variation 4170156 (VCV004170156.2).
Genomic context (GRCh38, chr19:11,019,587, plus strand): 5'-GCCCCTCTTGCCACCTGGCCACCCGGCTCCAAAAGCCGAGCTGTGCATCCTGCTTCCCTT[G>T]CAGGGATCCCCAGCAGCAAGACGGGCCTTTGTCCCCCAGCTCCGGAGTGGGAAGTTCAAC-3'